The following is an entry in ClinVar:

NM_177986.5(DSG4):c.1480T>C (p.Cys494Arg)

Genes: DSG1-AS1 (DSG1 antisense RNA 1; minus strand), DSG4 (desmoglein 4; plus strand). Cytogenetic location: 18q12.1.
Variant type: single nucleotide variant.
Coding change: c.1480T>C on transcript NM_177986.5 (MANE Select); coding-DNA position 1480, T replaced by C.
Protein change: p.Cys494Arg; replaces cysteine 494 with arginine.
Molecular consequence: missense variant.
Genome position (GRCh38, 1-based): chr18:31,403,478, T>C. VCF-style: chr18-31403478-T-C. GRCh37 (hg19) VCF-style: chr18-28983441-T-C.
Other names: c.1480T>C, p.Cys494Arg (NM_001134453.3); short protein forms C494R.
Identifiers: ClinVar variation 326435 (VCV000326435.16), dbSNP rs150676638, ClinGen allele CA8927027.

ClinVar aggregate classification (germline): Conflicting classifications of pathogenicity. Review status: criteria provided, conflicting classifications (1 of 4 stars). 4 submissions from 4 submitters: Uncertain significance (2); Likely benign (1). 1 of the submissions does not count toward it. Last evaluated 2026-01-31.

Conditions:
DSG4-related disorder. Also called: DSG4-related condition.
Hypotrichosis 6 (HYPT6). Also called: HYPOTRICHOSIS, LOCALIZED, AUTOSOMAL RECESSIVE 1; MONILETHRIX-LIKE HYPOTRICHOSIS. Identifiers: Orphanet 55654, MedGen C1842839, MONDO:0011932, OMIM 607903.

Allele frequency attached by ClinVar (database versions not stated): 1000 Genomes Project 0.00040; 1000 Genomes Project 30x 0.00047; gnomAD exomes 0.00157; gnomAD 0.00165 and 0.00172; TOPMed 0.00165; ExAC 0.00168; ESP Exome Variant Server 0.00231.
gnomAD v4.1: 4,131 of 1,613,998 alleles (0.26%); highest among the groups gnomAD compares: Non-Finnish European, 0.32%; 10 homozygotes.

Submissions (4):

Labcorp Genetics (formerly Invitae), Labcorp
Classification: Likely benign. Last evaluated: 2026-01-31. Review status: criteria provided, single submitter. Criteria: Invitae Variant Classification Sherloc (09022015). Collection method: clinical testing. Allele origin: germline.

Blueprint Genetics
Classification: Uncertain significance. Last evaluated: 2024-11-18. Review status: criteria provided, single submitter. Criteria: ACMG Guidelines, 2015. Collection method: clinical testing. Allele origin: germline.

Illumina Laboratory Services, Illumina
Classification: Uncertain significance for Hypotrichosis 6. Last evaluated: 2018-01-13. Review status: criteria provided, single submitter. Criteria: ICSL Variant Classification Criteria 13 December 2019. Collection method: clinical testing. Allele origin: germline.

PreventionGenetics, part of Exact Sciences
Classification: Likely benign for DSG4-related condition. Last evaluated: 2024-05-29. Review status: no assertion criteria provided. Collection method: clinical testing. Allele origin: germline. Not counted in ClinVar's aggregate classification.
Comment: This variant is classified as likely benign based on ACMG/AMP sequence variant interpretation guidelines (Richards et al. 2015 PMID: 25741868, with internal and published modifications).